The following is an entry in ClinVar:

NM_004655.4(AXIN2):c.1569C>G (p.Ala523=)

Gene: AXIN2 (axin 2; minus strand). Cytogenetic location: 17q24.1.
Variant type: single nucleotide variant.
Coding change: c.1569C>G on transcript NM_004655.4 (MANE Select); coding-DNA position 1569, C replaced by G.
Protein change: p.Ala523=; no amino-acid change (alanine 523 retained).
Molecular consequence: synonymous variant.
Genome position (GRCh38, 1-based): chr17:65,537,467, G>C on the plus strand (C>G on the coding strand, the complement: AXIN2 is on the minus strand). VCF-style: chr17-65537467-G-C. GRCh37 (hg19) VCF-style: chr17-63533585-G-C.
Other names: c.1569C>G, p.Ala523= (NM_001363813.1).
Identifiers: ClinVar variation 1621253 (VCV001621253.12), dbSNP rs745968863, ClinGen allele CA501691257.

ClinVar aggregate classification (germline): Benign/Likely benign. Review status: criteria provided, multiple submitters, no conflicts (2 of 4 stars). 4 submissions from 4 submitters: Benign (1); Likely benign (3). Last evaluated 2024-07-03.

Conditions:
Hereditary cancer-predisposing syndrome. Also called: Hereditary Cancer Syndrome; Neoplastic Syndromes, Hereditary; Hereditary neoplastic syndrome; Tumor predisposition. Identifiers: Orphanet 140162, MedGen C0027672, MeSH D009386, MONDO:0015356.
Oligodontia-cancer predisposition syndrome. Also called: TOOTH AGENESIS-COLORECTAL CANCER SYNDROME. Identifiers: Orphanet 300576, MedGen C1837750, MONDO:0012075, OMIM 608615. Disease mechanism: loss of function.

gnomAD v4.1: 1 of 1,613,908 alleles (0.000062%); highest among the groups gnomAD compares: Non-Finnish European, 0.000085%; no homozygotes.

Submissions (4):

Myriad Genetics, Inc.
Classification: Benign for Oligodontia-cancer predisposition syndrome. Last evaluated: 2024-07-03. Review status: criteria provided, single submitter. Criteria: Myriad Autosomal Dominant, Autosomal Recessive and X-Linked Classification Criteria (2023). Collection method: clinical testing. Allele origin: unknown.
Comment: This variant is considered benign. This variant is a silent/synonymous amino acid change and it is not expected to impact splicing.

Labcorp Genetics (formerly Invitae), Labcorp
Classification: Likely benign for Oligodontia-cancer predisposition syndrome. Last evaluated: 2024-03-06. Review status: criteria provided, single submitter. Criteria: Invitae Variant Classification Sherloc (09022015). Collection method: clinical testing. Allele origin: germline.

Sema4
Classification: Likely benign for Hereditary cancer-predisposing syndrome. Last evaluated: 2021-11-02. Review status: criteria provided, single submitter. Criteria: Sema4 Curation Guidelines. Collection method: curation. Allele origin: germline.

Ambry Genetics
Classification: Likely benign for Hereditary cancer-predisposing syndrome. Last evaluated: 2020-10-25. Review status: criteria provided, single submitter. Criteria: Ambry Variant Classification Scheme 2023. Collection method: clinical testing. Allele origin: germline.